The following is an entry in ClinVar:

NM_144643.4(SCLT1):c.1190T>A (p.Leu397Ter)

Gene: SCLT1 (sodium channel and clathrin linker 1; minus strand). Cytogenetic location: 4q28.2.
Variant type: single nucleotide variant.
Coding change: c.1190T>A on transcript NM_144643.4 (MANE Select); coding-DNA position 1190, T replaced by A.
Protein change: p.Leu397Ter; replaces leucine 397 with a stop codon.
Molecular consequence: nonsense.
Genome position (GRCh38, 1-based): chr4:128,952,797, A>T on the plus strand (T>A on the coding strand, the complement: SCLT1 is on the minus strand). VCF-style: chr4-128952797-A-T. GRCh37 (hg19) VCF-style: chr4-129873952-A-T.
Other names: c.1190T>A, p.Leu397Ter (NM_001410807.1); short protein forms L397*.
Identifiers: ClinVar variation 4998951 (VCV004998951.1).

ClinVar aggregate classification (germline): Uncertain significance (1 of 4 stars; one submission).

Conditions:
SCLT1-related disorder. Also called: SCLT1-related condition.

Submission:

PreventionGenetics, part of Exact Sciences
Classification: Uncertain significance for SCLT1-related condition. Last evaluated: 2025-04-04. Review status: criteria provided, single submitter. Criteria: ACMG Guidelines, 2015. Collection method: clinical testing. Allele origin: germline.
Comment: The SCLT1 c.1190T>A variant is predicted to result in premature protein termination (p.Leu397*). To our knowledge, this variant has not been reported in the literature or in a large population database (gnomAD), indicating this variant is rare. At this time, the clinical significance of this variant is uncertain due to the absence of conclusive functional and genetic evidence.